The following is an entry in ClinVar:

ClinVar aggregate classification (germline): Uncertain significance (1 of 4 stars; one submission).

Conditions:
TINF2-related disorder. Also called: TINF2-related condition.

Submission:

PreventionGenetics, part of Exact Sciences
Classification: Uncertain significance for TINF2-related condition. Last evaluated: 2025-08-12. Review status: criteria provided, single submitter. Criteria: ACMG Guidelines, 2015. Collection method: clinical testing. Allele origin: germline.
Comment: The TINF2 c.385G>T variant is predicted to result in the amino acid substitution p.Ala129Ser. To our knowledge, this variant has not been reported in the literature or in a large population database (gnomAD), indicating this variant is rare. At this time, the clinical significance of this variant is uncertain due to the absence of conclusive functional and genetic evidence.

NM_001099274.3(TINF2):c.385G>T (p.Ala129Ser)

Gene: TINF2 (TERF1 interacting nuclear factor 2; minus strand). Cytogenetic location: 14q12.
Variant type: single nucleotide variant.
Coding change: c.385G>T on transcript NM_001099274.3 (MANE Select); coding-DNA position 385, G replaced by T.
Protein change: p.Ala129Ser; replaces alanine 129 with serine.
Molecular consequence: missense variant.
Genome position (GRCh38, 1-based): chr14:24,241,689, C>A on the plus strand (G>T on the coding strand, the complement: TINF2 is on the minus strand). VCF-style: chr14-24241689-C-A. GRCh37 (hg19) VCF-style: chr14-24710895-C-A.
Other names: c.280G>T, p.Ala94Ser (NM_001363668.2); c.385G>T, p.Ala129Ser (NM_012461.3); short protein forms A129S, A94S.
Identifiers: ClinVar variation 5000380 (VCV005000380.1).